The following is an entry in ClinVar:

ClinVar aggregate classification (germline): Likely benign. Review status: criteria provided, single submitter (1 of 4 stars). 2 submissions from 2 submitters: Likely benign (1). 1 of the submissions does not count toward it. Last evaluated 2025-11-25.

Conditions:
IFT88-related disorder. Also called: IFT88-related condition.

Allele frequency attached by ClinVar (database versions not stated): gnomAD exomes below 0.00001; TOPMed below 0.00001.
gnomAD v4.1: 2 of 1,605,818 alleles (0.00012%); highest among the groups gnomAD compares: South Asian, 0.0011%; no homozygotes.

Submissions (2):

Labcorp Genetics (formerly Invitae), Labcorp
Classification: Likely benign. Last evaluated: 2025-11-25. Review status: criteria provided, single submitter. Criteria: Invitae Variant Classification Sherloc (09022015). Collection method: clinical testing. Allele origin: germline.

PreventionGenetics, part of Exact Sciences
Classification: Likely benign for IFT88-related condition. Last evaluated: 2020-07-20. Review status: no assertion criteria provided. Collection method: clinical testing. Allele origin: germline. Not counted in ClinVar's aggregate classification.
Comment: This variant is classified as likely benign based on ACMG/AMP sequence variant interpretation guidelines (Richards et al. 2015 PMID: 25741868, with internal and published modifications).

NM_006531.5(IFT88):c.1902A>G (p.Gln634=)

Gene: IFT88 (intraflagellar transport 88; plus strand). Cytogenetic location: 13q12.11.
Variant type: single nucleotide variant.
Coding change: c.1902A>G on transcript NM_006531.5 (MANE Select); coding-DNA position 1902, A replaced by G.
Protein change: p.Gln634=; no amino-acid change (glutamine 634 retained).
Molecular consequence: synonymous variant. On other transcripts: non-coding transcript variant (4).
Genome position (GRCh38, 1-based): chr13:20,644,911, A>G. VCF-style: chr13-20644911-A-G. GRCh37 (hg19) VCF-style: chr13-21219050-A-G.
Other names: c.1845A>G, p.Gln615= (NM_001318491.2, NM_001353575.2); c.1929A>G, p.Gln643= (NM_001318493.2, NM_001353565.2, NM_001353566.2 and 2 more transcripts); c.1902A>G, p.Gln634= (NM_001353568.2, NM_001353572.2); c.1827A>G, p.Gln609= (NM_001353569.2, NM_001353570.2, NM_001353576.2 and 1 more transcripts); c.1800A>G, p.Gln600= (NM_001353571.2, NM_001353578.2); c.1758A>G, p.Gln586= (NM_001353573.2); c.1743A>G, p.Gln581= (NM_001353574.2); c.1269A>G, p.Gln423= (NM_001353579.2).
Identifiers: ClinVar variation 3036334 (VCV003036334.3), dbSNP rs773811832, ClinGen allele CA482860854.